The following is an entry in ClinVar:

NM_000341.4(SLC3A1):c.2020dup (p.Tyr674fs)

Genes: PREPL (prolyl endopeptidase like; minus strand), SLC3A1 (solute carrier family 3 member 1; plus strand). Cytogenetic location: 2p21.
Variant type: Duplication.
Coding change: c.2020dup on transcript NM_000341.4 (MANE Select); coding-DNA position 2020, one base duplicated (T; older notation c.2020dupT).
Protein change: p.Tyr674fs; shifts the reading frame from tyrosine 674.
Molecular consequence: frameshift variant. On other transcripts: 3 prime UTR variant (10).
Genome position (GRCh38, 1-based): chr2:44,320,601, T duplicated. VCF-style (leftmost placement, unchanged base first): chr2-44320600-C-CT. GRCh37 (hg19) VCF-style: chr2-44547739-C-CT.
Other names: c.*755dup (NM_001042385.2, NM_001042386.2, NM_001171603.1 and 7 more transcripts); short protein forms Y674fs.
Identifiers: ClinVar variation 642723 (VCV000642723.10), dbSNP rs777149216, ClinGen allele CA1640819.

ClinVar aggregate classification (germline): Pathogenic. Review status: criteria provided, multiple submitters, no conflicts (2 of 4 stars). 2 submissions from 2 submitters: Pathogenic (2). Last evaluated 2024-05-16.

Conditions:
Cystinuria (CSNU). Also called: CYSTINURIA, TYPE I; CYSTINURIA, TYPE II; CYSTINURIA, TYPE III; Cystinuria, non-type I. Identifiers: Orphanet 214, MedGen C0010691, MONDO:0009067, OMIM 220100, HP:0003131.

Allele frequency attached by ClinVar (database versions not stated): gnomAD 0.00001; gnomAD exomes 0.00001 and 0.00002; TOPMed 0.00001; ExAC 0.00002.

Submissions (2):

Fulgent Genetics
Classification: Pathogenic for Cystinuria. Last evaluated: 2024-05-16. Review status: criteria provided, single submitter. Criteria: ACMG Guidelines, 2015. Collection method: clinical testing. Allele origin: germline.

Labcorp Genetics (formerly Invitae), Labcorp
Classification: Pathogenic for Cystinuria. Last evaluated: 2023-10-22. Review status: criteria provided, single submitter. Criteria: Invitae Variant Classification Sherloc (09022015). Collection method: clinical testing. Allele origin: germline.
Comment: This sequence change results in a frameshift in the SLC3A1 gene (p.Tyr674Leufs*20). While this is not anticipated to result in nonsense mediated decay, it is expected to disrupt the last 12 amino acid(s) of the SLC3A1 protein and extend the protein by 7 additional amino acid residues. This variant is present in population databases (rs777149216, gnomAD 0.002%). This frameshift has been observed in individual(s) with cystinuria (PMID: 25964309; Invitae). It has also been observed to segregate with disease in related individuals. ClinVar contains an entry for this variant (Variation ID: 642723). For these reasons, this variant has been classified as Pathogenic.

Literature cited by the submitters: PubMed 25964309 (cited by Labcorp Genetics (formerly Invitae), Labcorp).